The following is an entry in ClinVar:

NM_001122769.3(LCA5):c.521G>A (p.Arg174His)

Gene: LCA5 (lebercilin LCA5; minus strand). Cytogenetic location: 6q14.1.
Variant type: single nucleotide variant.
Coding change: c.521G>A on transcript NM_001122769.3 (MANE Select); coding-DNA position 521, G replaced by A.
Protein change: p.Arg174His; replaces arginine 174 with histidine.
Molecular consequence: missense variant.
Genome position (GRCh38, 1-based): chr6:79,513,411, C>T on the plus strand (G>A on the coding strand, the complement: LCA5 is on the minus strand). VCF-style: chr6-79513411-C-T. GRCh37 (hg19) VCF-style: chr6-80223128-C-T.
Other names: c.521G>A, p.Arg174His (NM_181714.4); short protein forms R174H.
Identifiers: ClinVar variation 1038071 (VCV001038071.10), dbSNP rs144016257, ClinGen allele CA3901104.

ClinVar aggregate classification (germline): Uncertain significance. Review status: criteria provided, multiple submitters, no conflicts (2 of 4 stars). 5 submissions from 5 submitters: Uncertain significance (4). 1 of the submissions does not count toward it. Last evaluated 2026-06-20.

Conditions:
LCA5-related disorder. Also called: LCA5-related condition.
Inborn genetic diseases. Identifiers: MedGen C0950123, MeSH D030342.
Retinal dystrophy. Also called: Inherited retinal dystrophy. Identifiers: Orphanet 71862, MedGen C0854723, MeSH D058499, MONDO:0019118, HP:0000556.
Leber congenital amaurosis (LCA). Also called: Leber's amaurosis. Identifiers: Orphanet 65, MedGen C0339527, MeSH D057130, MONDO:0018998.

Allele frequency attached by ClinVar (database versions not stated): ExAC 0.00013; gnomAD 0.00013 and 0.00014; gnomAD exomes 0.00014; TOPMed 0.00021; ESP Exome Variant Server 0.00023.
gnomAD v4.1: 236 of 1,613,648 alleles (0.015%); highest among the groups gnomAD compares: African/African-American, 0.023%; no homozygotes.

Submissions (5):

PreventionGenetics, part of Exact Sciences
Classification: Uncertain significance for LCA5-related condition. Last evaluated: 2026-06-20. Review status: criteria provided, single submitter. Criteria: ACMG Guidelines, 2015. Collection method: clinical testing. Allele origin: germline.
Comment: The LCA5 c.521G>A variant is predicted to result in the amino acid substitution p.Arg174His. To our knowledge, this variant has not been reported in the literature. This variant is reported in 0.031% of alleles in individuals of Latino descent in gnomAD. At this time, the clinical significance of this variant is uncertain due to the absence of conclusive functional and genetic evidence.

Blueprint Genetics
Classification: Uncertain significance. Last evaluated: 2024-09-13. Review status: criteria provided, single submitter. Criteria: ACMG Guidelines, 2015. Collection method: clinical testing. Allele origin: germline.

Labcorp Genetics (formerly Invitae), Labcorp
Classification: Uncertain significance. Last evaluated: 2024-08-28. Review status: criteria provided, single submitter. Criteria: Invitae Variant Classification Sherloc (09022015). Collection method: clinical testing. Allele origin: germline.
Comment: This sequence change replaces arginine, which is basic and polar, with histidine, which is basic and polar, at codon 174 of the LCA5 protein (p.Arg174His). This variant is present in population databases (rs144016257, gnomAD 0.03%). This variant has not been reported in the literature in individuals affected with LCA5-related conditions. ClinVar contains an entry for this variant (Variation ID: 1038071). Invitae Evidence Modeling of protein sequence and biophysical properties (such as structural, functional, and spatial information, amino acid conservation, physicochemical variation, residue mobility, and thermodynamic stability) indicates that this missense variant is not expected to disrupt LCA5 protein function with a negative predictive value of 80%. In summary, the available evidence is currently insufficient to determine the role of this variant in disease. Therefore, it has been classified as a Variant of Uncertain Significance.

Ambry Genetics
Classification: Uncertain significance for Inborn genetic diseases. Last evaluated: 2024-03-04. Review status: criteria provided, single submitter. Criteria: Ambry Variant Classification Scheme 2023. Collection method: clinical testing. Allele origin: germline.

Institute of Human Genetics, Univ. Regensburg, Univ. Regensburg
Classification: Uncertain significance for Retinal dystrophy. Last evaluated: 2022-01-01. Review status: no assertion criteria provided. Criteria: ACMG Guidelines, 2015. Collection method: clinical testing. Allele origin: germline. Affected: yes. Not counted in ClinVar's aggregate classification.